The following is an entry in ClinVar:

ClinVar aggregate classification (germline): Pathogenic/Likely pathogenic. Review status: criteria provided, multiple submitters, no conflicts (2 of 4 stars). 4 submissions from 4 submitters: Pathogenic (1); Likely pathogenic (1). 2 of the submissions do not count toward it. Last evaluated 2024-01-12.

Conditions:
CREB3L1-related disorders.
Osteogenesis imperfecta (OI). Identifiers: Orphanet 666, MedGen C0029434, MeSH D010013, MONDO:0019019.
Osteogenesis imperfecta type 16. Also called: OI, TYPE XVI; Osteogenesis imperfecta, type xvi. Identifiers: Orphanet 666, MedGen C4015610, MONDO:0014544, OMIM 616229.

Submissions (4):

Blueprint Genetics
Classification: Likely pathogenic for CREB3L1-related disorders. Last evaluated: 2024-01-12. Review status: criteria provided, single submitter. Criteria: ACMG Guidelines, 2015. Collection method: clinical testing. Allele origin: germline. Affected: yes. Observed: 3 variant alleles.

Collagen Diagnostic Laboratory, University of Washington
Classification: Pathogenic for Osteogenesis imperfecta. Review status: criteria provided, single submitter. Criteria: Submitter's Publication. Collection method: research, in vitro. Allele origin: biparental, inherited, not applicable. Inheritance: Autosomal recessive inheritance. Affected: yes. Observed: 3 heterozygotes, 1 homozygote. Clinical features observed: Aplasia/hypoplasia of the extremities, Recurrent fractures, Blue sclerae, Increased susceptibility to fractures, Osteopenia.
Comment: Multiple individuals heterozygous for the variant exhibited mild OI-like phenotypes including blue sclerae, osteopenia, and fractures consistent with OI Type I. A history of fractures is shared by individuals going back several generations.

OMIM
Classification: Pathogenic for OSTEOGENESIS IMPERFECTA, TYPE XVI. Last evaluated: 2018-08-07. Review status: no assertion criteria provided. Collection method: literature only. Allele origin: germline. Not counted in ClinVar's aggregate classification.

University of Washington Center for Mendelian Genomics, University of Washington
Classification: Likely pathogenic for Osteogenesis imperfecta. Review status: no assertion criteria provided. Collection method: research. Allele origin: inherited. Affected: yes. Not counted in ClinVar's aggregate classification.

Literature cited by the submitters: DOI 10.1038/gim.2017.115 (cited by Collagen Diagnostic Laboratory, University of Washington); PubMed 28817112 (cited by OMIM and University of Washington Center for Mendelian Genomics, University of Washington).

NM_052854.4(CREB3L1):c.928AAG[2] (p.Lys312del)

Gene: CREB3L1 (cAMP responsive element binding protein 3 like 1; plus strand). Cytogenetic location: 11p11.2.
Variant type: Microsatellite.
Coding change: c.928AAG[2] on transcript NM_052854.4 (MANE Select); two copies in a row of the 3-base unit AAG starting at c.928; the reference has three copies in a row; one copy, 3 bases deleted.
Protein change: p.Lys312del; deletes lysine 312.
Molecular consequence: inframe deletion.
Genome position (GRCh38, 1-based): chr11:46,312,642-46,312,644, AAG deleted; deleting any 3 consecutive bases within chr11:46,312,636-46,312,644 gives the same sequence; the position shown is the placement nearest the transcript's 3' end. VCF-style (leftmost placement, unchanged base first): chr11-46312635-TAAG-T. GRCh37 (hg19) VCF-style: chr11-46334186-TAAG-T.
Other names: OASIS; c.934_936delAAG (NM_052854.4); short protein forms K312del.
Identifiers: ClinVar variation 559483 (VCV000559483.5), dbSNP rs1555222973, ClinGen allele CA473862315.